The following is an entry in ClinVar:

ClinVar aggregate classification (germline): Conflicting classifications of pathogenicity. Review status: criteria provided, conflicting classifications (1 of 4 stars). 2 submissions from 2 submitters: Likely pathogenic (1); Uncertain significance (1). Last evaluated 2025-01-15.

Conditions:
CACNA2D4-related disorder. Also called: CACNA2D4-related condition.

Allele frequency attached by ClinVar (database versions not stated): gnomAD 0.00003 and 0.00004; TOPMed 0.00003; 1000 Genomes Project 30x 0.00016; 1000 Genomes Project 0.00020; gnomAD exomes 0.00001 and 0.00002; ExAC 0.00003.
gnomAD v4.1: 31 of 1,612,742 alleles (0.0019%); highest among the groups gnomAD compares: Middle Eastern, 0.019%; no homozygotes.

Submissions (2):

Labcorp Genetics (formerly Invitae), Labcorp
Classification: Uncertain significance. Last evaluated: 2025-01-15. Review status: criteria provided, single submitter. Criteria: Invitae Variant Classification Sherloc (09022015). Collection method: clinical testing. Allele origin: germline.
Comment: This sequence change affects a donor splice site in intron 31 of the CACNA2D4 gene. It is expected to disrupt RNA splicing. Variants that disrupt the donor or acceptor splice site typically lead to a loss of protein function (PMID: 16199547), however the current clinical and genetic evidence is not sufficient to establish whether loss-of-function variants in CACNA2D4 cause disease. This variant is present in population databases (rs546379813, gnomAD 0.02%). This variant has not been reported in the literature in individuals affected with CACNA2D4-related conditions. ClinVar contains an entry for this variant (Variation ID: 844549). Algorithms developed to predict the effect of sequence changes on RNA splicing suggest that this variant may disrupt the consensus splice site. In summary, the available evidence is currently insufficient to determine the role of this variant in disease. Therefore, it has been classified as a Variant of Uncertain Significance.

Blueprint Genetics
Classification: Likely pathogenic for CACNA2D4-related disorders. Last evaluated: 2023-08-10. Review status: criteria provided, single submitter. Criteria: ACMG Guidelines, 2015. Collection method: clinical testing. Allele origin: germline. Affected: yes. Observed: 4 variant alleles.

Literature cited by the submitters: PubMed 16199547 (cited by Labcorp Genetics (formerly Invitae), Labcorp).

NM_172364.5(CACNA2D4):c.2868+1G>A

Gene: CACNA2D4 (calcium voltage-gated channel auxiliary subunit alpha2delta 4; minus strand). Cytogenetic location: 12p13.33.
Variant type: single nucleotide variant.
Coding change: c.2868+1G>A on transcript NM_172364.5 (MANE Select); the canonical splice donor site of the intron after coding-DNA position 2868, G replaced by A.
Molecular consequence: splice donor variant.
Genome position (GRCh38, 1-based): chr12:1,801,042, C>T on the plus strand (G>A on the coding strand, the complement: CACNA2D4 is on the minus strand). VCF-style: chr12-1801042-C-T. GRCh37 (hg19) VCF-style: chr12-1910208-C-T.
Identifiers: ClinVar variation 844549 (VCV000844549.11), dbSNP rs546379813, ClinGen allele CA6386174.